The following is an entry in ClinVar:

ClinVar aggregate classification (germline): Uncertain significance (1 of 4 stars; one submission).

Submission:

Labcorp Genetics (formerly Invitae), Labcorp
Classification: Uncertain significance. Last evaluated: 2025-01-06. Review status: criteria provided, single submitter. Criteria: Invitae Variant Classification Sherloc (09022015). Collection method: clinical testing. Allele origin: germline.
Comment: This sequence change replaces aspartic acid, which is acidic and polar, with asparagine, which is neutral and polar, at codon 828 of the IFT88 protein (p.Asp828Asn). This variant is not present in population databases (gnomAD no frequency). This variant has not been reported in the literature in individuals affected with IFT88-related conditions. An algorithm developed to predict the effect of missense changes on protein structure and function (PolyPhen-2) suggests that this variant is likely to be disruptive. In summary, the available evidence is currently insufficient to determine the role of this variant in disease. Therefore, it has been classified as a Variant of Uncertain Significance.

NM_006531.5(IFT88):c.2455G>A (p.Asp819Asn)

Gene: IFT88 (intraflagellar transport 88; plus strand). Cytogenetic location: 13q12.11.
Variant type: single nucleotide variant.
Coding change: c.2455G>A on transcript NM_006531.5 (MANE Select); coding-DNA position 2455, G replaced by A.
Protein change: p.Asp819Asn; replaces aspartic acid 819 with asparagine.
Molecular consequence: missense variant. On other transcripts: 3 prime UTR variant (1), non-coding transcript variant (5).
Genome position (GRCh38, 1-based): chr13:20,691,155, G>A. VCF-style: chr13-20691155-G-A. GRCh37 (hg19) VCF-style: chr13-21265294-G-A.
Other names: c.2398G>A, p.Asp800Asn (NM_001318491.2); c.2482G>A, p.Asp828Asn (NM_001318493.2, NM_001353565.2, NM_001353566.2 and 2 more transcripts); c.2455G>A, p.Asp819Asn (NM_001353568.2); c.2380G>A, p.Asp794Asn (NM_001353569.2, NM_001353570.2); c.2353G>A, p.Asp785Asn (NM_001353571.2); c.2344G>A, p.Asp782Asn (NM_001353572.2); c.2311G>A, p.Asp771Asn (NM_001353573.2); c.2296G>A, p.Asp766Asn (NM_001353574.2); and 4 more; short protein forms D608N, D766N, D794N, D819N, D785N, D771N, D782N, D800N.
Identifiers: ClinVar variation 3707040 (VCV003707040.2).